The following is an entry in ClinVar:

NM_032043.3(BRIP1):c.1628+2_1628+10del

Gene: BRIP1 (BRCA1 interacting DNA helicase 1; minus strand). Cytogenetic location: 17q23.2.
Variant type: Deletion.
Coding change: c.1628+2_1628+10del on transcript NM_032043.3 (MANE Select); the canonical splice donor site of the intron after coding-DNA position 1628 through 10 bases into the intron after coding-DNA position 1628, 9 bases deleted (TAAGTGAAG; older notation c.1628+2_1628+10delTAAGTGAAG).
Molecular consequence: splice donor variant.
Genome position (GRCh38, 1-based): chr17:61,784,260-61,784,268, CTTCACTTA deleted on the plus strand (TAAGTGAAG on the coding strand, the reverse complement: BRIP1 is on the minus strand); deleting any 9 consecutive bases within chr17:61,784,260-61,784,269 gives the same sequence; the c. name uses the placement nearest the transcript's 3' end. VCF-style (leftmost placement, unchanged base first): chr17-61784259-TCTTCACTTA-T. GRCh37 (hg19) VCF-style: chr17-59861620-TCTTCACTTA-T.
Identifiers: ClinVar variation 3757080 (VCV003757080.2).

ClinVar aggregate classification (germline): Likely pathogenic (1 of 4 stars; one submission).

Conditions:
Fanconi anemia complementation group J. Also called: BRIP1-Related Fanconi Anemia. Identifiers: Orphanet 84, MedGen C1836860, MONDO:0012187, OMIM 609054.
Familial cancer of breast. Also called: BREAST CANCER, FAMILIAL; Hereditary breast cancer; hereditary breast carcinoma. Identifiers: Orphanet 227535, MedGen C0346153, MONDO:0016419, OMIM 114480. Disease mechanism: loss of function.

Submission:

Labcorp Genetics (formerly Invitae), Labcorp
Classification: Likely pathogenic for Familial cancer of breast; Fanconi anemia complementation group J. Last evaluated: 2024-07-01. Review status: criteria provided, single submitter. Criteria: Invitae Variant Classification Sherloc (09022015). Collection method: clinical testing. Allele origin: germline.
Comment: This sequence change affects a splice site in intron 11 of the BRIP1 gene. It is expected to disrupt RNA splicing. Variants that disrupt the donor or acceptor splice site typically lead to a loss of protein function (PMID: 16199547), and loss-of-function variants in BRIP1 are known to be pathogenic (PMID: 16116423, 17033622, 21964575). This variant is not present in population databases (gnomAD no frequency). This variant has not been reported in the literature in individuals affected with BRIP1-related conditions. Algorithms developed to predict the effect of sequence changes on RNA splicing suggest that this variant may disrupt the consensus splice site. In summary, the currently available evidence indicates that the variant is pathogenic, but additional data are needed to prove that conclusively. Therefore, this variant has been classified as Likely Pathogenic.

Literature cited by the submitters: PubMed 16199547; PubMed 16116423; PubMed 17033622; PubMed 21964575.